The following is an entry in ClinVar:

ClinVar aggregate classification (germline): Likely pathogenic (0 of 4 stars; one submission).

Conditions:
CLCN5-related disorder. Also called: CLCN5-related condition.

Submission:

PreventionGenetics, part of Exact Sciences
Classification: Likely pathogenic for CLCN5-related condition. Last evaluated: 2024-07-09. Review status: no assertion criteria provided. Collection method: clinical testing. Allele origin: germline.
Comment: The CLCN5 c.2150+2T>G variant is predicted to disrupt the GT donor site and interfere with normal splicing. To our knowledge, this variant has not been reported in the literature or in a large population database, indicating this variant is rare. Other variants that disrupt this splice donor site (c.2150+1G>A, c.2150+1G>T) have been reported in individuals with Dent disease (Mansour-Hendili et al 2015. PubMed ID: 25907713; Tosetto et al 2009. PubMed ID: 19673950), Variants that disrupt the consensus splice donor site in CLCN5 are expected to be pathogenic. This variant is interpreted as likely pathogenic.

NM_001127898.4(CLCN5):c.2360+2T>G

Genes: CLCN5 (chloride voltage-gated channel 5; plus strand), LOC126863258 (BRD4-independent group 4 enhancer GRCh37_chrX:49854497-49855696; plus strand). Cytogenetic location: Xp11.23.
Variant type: single nucleotide variant.
Coding change: c.2360+2T>G on transcript NM_001127898.4 (MANE Select); the canonical splice donor site of the intron after coding-DNA position 2360, T replaced by G.
Molecular consequence: splice donor variant.
Genome position (GRCh38, 1-based): chrX:50,090,888, T>G. VCF-style: chrX-50090888-T-G. GRCh37 (hg19) VCF-style: chrX-49855545-T-G.
Other names: c.2360+2T>G (NM_001127899.4); c.2150+2T>G (NM_000084.5); c.2210+2T>G (NM_001282163.2).
Identifiers: ClinVar variation 3348160 (VCV003348160.1).
Genomic context (GRCh38, chrX:50,090,888, plus strand): 5'-ATCGTAGTGGATATTTTCCGAAAGCTGGGACTGCGGCAGTGCCTGGTTACACACAACGGG[T>G]AAGAAGTCTTGAGTGAAGTCAAATTGAATTGTGGGAGAAAGAGAATGCAGAGATAGAAAG-3'